The following is an entry in ClinVar:

NM_206933.4(USH2A):c.13016del (p.Gly4339fs)

Gene: USH2A (usherin; minus strand). Cytogenetic location: 1q41.
Variant type: Deletion.
Coding change: c.13016del on transcript NM_206933.4 (MANE Select); coding-DNA position 13016, one base deleted (G; older notation c.13016delG).
Protein change: p.Gly4339fs; shifts the reading frame from glycine 4339.
Molecular consequence: frameshift variant.
Genome position (GRCh38, 1-based): chr1:215,674,895, C deleted on the plus strand (G on the coding strand, the reverse complement: USH2A is on the minus strand); the first of 2 consecutive C bases (chr1:215,674,895-215,674,896); deleting either gives the same sequence. VCF-style (leftmost placement, unchanged base first): chr1-215674894-TC-T. GRCh37 (hg19) VCF-style: chr1-215848236-TC-T.
Other names: short protein forms G4339fs.
Identifiers: ClinVar variation 1381616 (VCV001381616.6), dbSNP rs2102665932, ClinGen allele CA2573131571.

ClinVar aggregate classification (germline): Pathogenic (1 of 4 stars; one submission).

Submission:

Labcorp Genetics (formerly Invitae), Labcorp
Classification: Pathogenic. Last evaluated: 2022-02-05. Review status: criteria provided, single submitter. Criteria: Invitae Variant Classification Sherloc (09022015). Collection method: clinical testing. Allele origin: germline.
Comment: For these reasons, this variant has been classified as Pathogenic. This variant has not been reported in the literature in individuals affected with USH2A-related conditions. This variant is not present in population databases (gnomAD no frequency). This sequence change creates a premature translational stop signal (p.Gly4339Glufs*34) in the USH2A gene. It is expected to result in an absent or disrupted protein product. Loss-of-function variants in USH2A are known to be pathogenic (PMID: 10729113, 10909849, 20507924, 25649381).

Literature cited by the submitters: PubMed 10729113; PubMed 10909849; PubMed 20507924; PubMed 25649381.